The following is an entry in ClinVar:

ClinVar aggregate classification (germline): Likely benign (1 of 4 stars; one submission).

Allele frequency attached by ClinVar (database versions not stated): gnomAD exomes 0.00001; ExAC 0.00003; gnomAD 0.00006; ESP Exome Variant Server 0.00008; TOPMed 0.00008.
gnomAD v4.1: 22 of 1,613,866 alleles (0.0014%); highest among the groups gnomAD compares: African/African-American, 0.016%; no homozygotes.

Submission:

CeGaT Center for Human Genetics Tuebingen
Classification: Likely benign. Last evaluated: 2023-02-01. Review status: criteria provided, single submitter. Criteria: CeGaT Center For Human Genetics Tuebingen Variant Classification Criteria Version 2. Collection method: clinical testing. Allele origin: germline. Affected: yes. Observed: 1 variant allele.
Comment: CLASP1: BP4, BP7

NM_001395891.1(CLASP1):c.1602A>G (p.Lys534=)

Gene: CLASP1 (cytoplasmic linker associated protein 1; minus strand). Cytogenetic location: 2q14.2.
Variant type: single nucleotide variant.
Coding change: c.1602A>G on transcript NM_001395891.1 (MANE Select); coding-DNA position 1602, A replaced by G.
Protein change: p.Lys534=; no amino-acid change (lysine 534 retained).
Molecular consequence: synonymous variant.
Genome position (GRCh38, 1-based): chr2:121,449,042, T>C on the plus strand (A>G on the coding strand, the complement: CLASP1 is on the minus strand). VCF-style: chr2-121449042-T-C. GRCh37 (hg19) VCF-style: chr2-122206618-T-C.
Other names: c.1602A>G, p.Lys534= (NM_001142273.2, NM_001142274.2, NM_001207051.2 and 4 more transcripts).
Identifiers: ClinVar variation 2651323 (VCV002651323.24), dbSNP rs374803325, ClinGen allele CA1854228.
Genomic context (GRCh38, chr2:121,449,042, plus strand): 5'-GCGGTCTGACTGAGGCAGAGACACTATGCTGTCTGAGTTCTTCAGGTGGGACTGCAGGGC[T>C]TTCTGGTAGGAGGACTCCAAGGTGTGGTACAAGTGCTCTGCTTCTCTGCTGAAGTGACTG-3'
Protein context (NP_001382820.1, residues 524-544): LYHTLESSYQ[Lys534=]ALQSHLKNSD